The following is an entry in ClinVar:

ClinVar aggregate classification (germline): Conflicting classifications of pathogenicity. Review status: criteria provided, conflicting classifications (1 of 4 stars). 8 submissions from 8 submitters: Pathogenic (1); Likely pathogenic (2); Uncertain significance (4). 1 of the submissions does not count toward it. Last evaluated 2026-05-10.

Conditions:
BCS1L-related disorder. Also called: BCS1L-related disorders; BCS1L-related condition. Identifiers: MedGen CN239240.
Pili torti-deafness syndrome (BJS). Also called: PILI TORTI AND NERVE DEAFNESS; Bjornstad syndrome. Identifiers: Orphanet 123, MedGen C0266006, MONDO:0009872, OMIM 262000.
Mitochondrial complex III deficiency nuclear type 1. Identifiers: Orphanet 254902, MedGen C3541471, MONDO:0007415, OMIM 124000.
GRACILE syndrome (FLNMS). Also called: FELLMAN SYNDROME; FINNISH LETHAL NEONATAL METABOLIC SYNDROME. Identifiers: Orphanet 53693, MedGen C1864002, MONDO:0011308, OMIM 603358.

Allele frequency attached by ClinVar (database versions not stated): TOPMed 0.00004.

Submissions (8):

PreventionGenetics, part of Exact Sciences
Classification: Uncertain significance for BCS1L-related condition. Last evaluated: 2026-05-10. Review status: criteria provided, single submitter. Criteria: ACMG Guidelines, 2015. Collection method: clinical testing. Allele origin: germline.
Comment: The BCS1L c.703G>A variant is predicted to result in the amino acid substitution p.Gly235Arg. This variant has been reported in the compound heterozygous state in two siblings with Björnstad syndrome (Falco et al. 2017. PubMed ID: 28322498). This variant is reported in 0.0029% of alleles in individuals of Latino descent in gnomAD. Although we suspect that this variant may be pathogenic, at this time, the clinical significance of this variant is uncertain due to the absence of conclusive functional and genetic evidence.

Labcorp Genetics (formerly Invitae), Labcorp
Classification: Pathogenic. Last evaluated: 2025-12-17. Review status: criteria provided, single submitter. Criteria: Invitae Variant Classification Sherloc (09022015). Collection method: clinical testing. Allele origin: germline.
Comment: This sequence change replaces glycine, which is neutral and non-polar, with arginine, which is basic and polar, at codon 235 of the BCS1L protein (p.Gly235Arg). This variant is present in population databases (rs368486097, gnomAD 0.003%). This missense change has been observed in individual(s) with Björnstad syndrome (PMID: 28322498). In at least one individual the data is consistent with being in trans (on the opposite chromosome) from a pathogenic variant. It has also been observed to segregate with disease in related individuals. ClinVar contains an entry for this variant (Variation ID: 265046). Invitae Evidence Modeling of protein sequence and biophysical properties (such as structural, functional, and spatial information, amino acid conservation, physicochemical variation, residue mobility, and thermodynamic stability) indicates that this missense variant is expected to disrupt BCS1L protein function with a positive predictive value of 95%. For these reasons, this variant has been classified as Pathogenic.

Myriad Genetics, Inc.
Classification: Uncertain significance for BCS1L-related disorder. Last evaluated: 2025-12-02. Review status: criteria provided, single submitter. Criteria: Myriad Autosomal Dominant, Autosomal Recessive and X-Linked Classification Criteria (2023). Collection method: clinical testing. Allele origin: unknown.
Comment: NM_004328.4(BCS1L):c.703G>A(G235R) is a missense variant classified as a variant of uncertain significance in the context of BCS1L-related disorders. G235R has been observed in a case with relevant disease (PMID: 28322498). Relevant functional assessments of this variant are not available in the literature. G235R has been observed in referenced population frequency databases. In summary, there is insufficient evidence to classify NM_004328.4(BCS1L):c.703G>A(G235R) as pathogenic or benign. Please note: this variant was assessed in the context of healthy population screening.

GeneDx
Classification: Likely pathogenic. Last evaluated: 2025-09-11. Review status: criteria provided, single submitter. Criteria: GeneDx Variant Classification Process June 2021. Collection method: clinical testing. Allele origin: germline. Affected: yes.
Comment: Not observed at significant frequency in large population cohorts (gnomAD); In silico analysis supports that this missense variant has a deleterious effect on protein structure/function; This variant is associated with the following publications: (PMID: 28322498)

Women's Health and Genetics/Laboratory Corporation of America, LabCorp
Classification: Uncertain significance. Last evaluated: 2025-06-12. Review status: criteria provided, single submitter. Criteria: LabCorp Variant Classification Summary - May 2015. Collection method: clinical testing. Allele origin: germline.
Comment: Variant summary: BCS1L c.703G>A (p.Gly235Arg) results in a non-conservative amino acid change located in the AAA+ ATPase domain of the encoded protein sequence. Algorithms developed to predict the effect of missense changes on protein structure and function all suggest that this variant is likely to be disruptive. The variant allele was found at a frequency of 1.2e-05 in 251424 control chromosomes. c.703G>A has been observed in two sisters affected with Bjornstad Syndrome and the variant segregated with the disease (Falco_2016) . These data indicate that the variant may be associated with disease. To our knowledge, no experimental evidence demonstrating an impact on protein function has been reported. The following publication has been ascertained in the context of this evaluation (PMID: 28322498). ClinVar contains an entry for this variant (Variation ID: 265046). Based on the evidence outlined above, the variant was classified as VUS-possibly pathogenic.

Fulgent Genetics
Classification: Likely pathogenic for Mitochondrial complex III deficiency nuclear type 1; Pili torti-deafness syndrome; GRACILE syndrome. Last evaluated: 2024-04-18. Review status: criteria provided, single submitter. Criteria: ACMG Guidelines, 2015. Collection method: clinical testing. Allele origin: germline.

Baylor Genetics
Classification: Uncertain significance for Mitochondrial complex III deficiency nuclear type 1. Last evaluated: 2020-07-28. Review status: criteria provided, single submitter. Criteria: ACMG Guidelines, 2015. Collection method: clinical testing. Allele origin: unknown. Affected: yes.
Comment: This variant was determined to be of uncertain significance according to ACMG Guidelines, 2015 [PMID:25741868].

Counsyl
Classification: Uncertain significance for GRACILE syndrome. Last evaluated: 2017-10-18. Review status: no assertion criteria provided. Collection method: clinical testing. Allele origin: unknown. Not counted in ClinVar's aggregate classification.

Literature cited by the submitters: PubMed 28322498 (cited by 4 submitters).

NM_001079866.2(BCS1L):c.703G>A (p.Gly235Arg)

Gene: BCS1L (BCS1 ubiquinol-cytochrome c reductase complex chaperone; plus strand). Cytogenetic location: 2q35.
Variant type: single nucleotide variant.
Coding change: c.703G>A on transcript NM_001079866.2 (MANE Select); coding-DNA position 703, G replaced by A.
Protein change: p.Gly235Arg; replaces glycine 235 with arginine.
Molecular consequence: missense variant. On other transcripts: non-coding transcript variant (1).
Genome position (GRCh38, 1-based): chr2:218,662,244, G>A. VCF-style: chr2-218662244-G-A. GRCh37 (hg19) VCF-style: chr2-219526967-G-A.
Other names: c.703G>A, p.Gly235Arg (NM_001257342.2, NM_001257343.2, NM_001257344.2 and 10 more transcripts); c.343G>A, p.Gly115Arg (NM_001318836.2, NM_001371451.1); c.202G>A, p.Gly68Arg (NM_001371452.1, NM_001371453.1, NM_001371454.1 and 3 more transcripts); short protein forms G235R, G115R, G68R.
Identifiers: ClinVar variation 265046 (VCV000265046.14), dbSNP rs368486097, ClinGen allele CA2109732.